The following is an entry in ClinVar:

NM_001367624.2(ZNF469):c.8702C>G (p.Pro2901Arg)

Gene: ZNF469 (zinc finger protein 469; plus strand). Cytogenetic location: 16q24.2.
Variant type: single nucleotide variant.
Coding change: c.8702C>G on transcript NM_001367624.2 (MANE Select); coding-DNA position 8702, C replaced by G.
Protein change: p.Pro2901Arg; replaces proline 2901 with arginine.
Molecular consequence: missense variant.
Genome position (GRCh38, 1-based): chr16:88,436,172, C>G. VCF-style: chr16-88436172-C-G. GRCh37 (hg19) VCF-style: chr16-88502580-C-G.
Other names: NM_001127464.1:c.8618C>G; short protein forms P2901R.
Identifiers: ClinVar variation 2495036 (VCV002495036.4), dbSNP rs751952593, ClinGen allele CA8225360.

ClinVar aggregate classification (germline): Uncertain significance. Review status: criteria provided, multiple submitters, no conflicts (2 of 4 stars). 2 submissions from 2 submitters: Uncertain significance (2). Last evaluated 2026-01-26.

Conditions:
Cardiovascular phenotype. Identifiers: MedGen CN230736.

Allele frequency attached by ClinVar (database versions not stated): ExAC 0.00007.
gnomAD v4.1: 4 of 1,547,700 alleles (0.00026%); highest among the groups gnomAD compares: South Asian, 0.0012%; no homozygotes.

Submissions (2):

Labcorp Genetics (formerly Invitae), Labcorp
Classification: Uncertain significance. Last evaluated: 2026-01-26. Review status: criteria provided, single submitter. Criteria: Invitae Variant Classification Sherloc (09022015). Collection method: clinical testing. Allele origin: germline.
Comment: This sequence change replaces proline, which is neutral and non-polar, with arginine, which is basic and polar, at codon 2873 of the ZNF469 protein (p.Pro2873Arg). This variant is present in population databases (rs751952593, gnomAD 0.004%). This variant has not been reported in the literature in individuals affected with ZNF469-related conditions. ClinVar contains an entry for this variant (Variation ID: 2495036). An algorithm developed to predict the effect of missense changes on protein structure and function (PolyPhen-2) suggests that this variant is likely to be tolerated. In summary, the available evidence is currently insufficient to determine the role of this variant in disease. Therefore, it has been classified as a Variant of Uncertain Significance.

Ambry Genetics
Classification: Uncertain significance for Cardiovascular phenotype. Last evaluated: 2024-03-21. Review status: criteria provided, single submitter. Criteria: Ambry Variant Classification Scheme 2023. Collection method: clinical testing. Allele origin: germline.
Comment: The p.P2873R variant (also known as c.8618C>G), located in coding exon 2 of the ZNF469 gene, results from a C to G substitution at nucleotide position 8618. The proline at codon 2873 is replaced by arginine, an amino acid with dissimilar properties. This amino acid position is conserved. In addition, this alteration is predicted to be tolerated by in silico analysis. Based on the available evidence, the clinical significance of this alteration remains unclear.